The following is an entry in ClinVar:

ClinVar aggregate classification (germline): Uncertain significance (1 of 4 stars; one submission).

Submission:

GeneDx
Classification: Uncertain significance. Last evaluated: 2025-05-08. Review status: criteria provided, single submitter. Criteria: GeneDx Variant Classification Process June 2021. Collection method: clinical testing. Allele origin: germline. Affected: yes.
Comment: Not observed at significant frequency in large population cohorts (gnomAD); In silico analysis supports that this missense variant has a deleterious effect on protein structure/function; Has not been previously published as pathogenic or benign to our knowledge

NM_002804.5(PSMC3):c.658C>A (p.Pro220Thr)

Gene: PSMC3 (proteasome 26S subunit, ATPase 3; minus strand). Cytogenetic location: 11p11.2.
Variant type: single nucleotide variant.
Coding change: c.658C>A on transcript NM_002804.5 (MANE Select); coding-DNA position 658, C replaced by A.
Protein change: p.Pro220Thr; replaces proline 220 with threonine.
Molecular consequence: missense variant.
Genome position (GRCh38, 1-based): chr11:47,422,907, G>T on the plus strand (C>A on the coding strand, the complement: PSMC3 is on the minus strand). VCF-style: chr11-47422907-G-T. GRCh37 (hg19) VCF-style: chr11-47444458-G-T.
Other names: short protein forms P220T.
Identifiers: ClinVar variation 4528104 (VCV004528104.1).